The following is an entry in ClinVar:

NM_001160372.4(TRAPPC9):c.3241G>A (p.Val1081Ile)

Gene: TRAPPC9 (trafficking protein particle complex subunit 9; minus strand). Cytogenetic location: 8q24.3.
Variant type: single nucleotide variant.
Coding change: c.3241G>A on transcript NM_001160372.4 (MANE Select); coding-DNA position 3241, G replaced by A.
Protein change: p.Val1081Ile; replaces valine 1081 with isoleucine.
Molecular consequence: missense variant. On other transcripts: non-coding transcript variant (1).
Genome position (GRCh38, 1-based): chr8:139,732,017, C>T on the plus strand (G>A on the coding strand, the complement: TRAPPC9 is on the minus strand). VCF-style: chr8-139732017-C-T. GRCh37 (hg19) VCF-style: chr8-140744260-C-T.
Other names: c.3214G>A, p.Val1072Ile (NM_001321646.2); c.3262G>A, p.Val1088Ile (NM_001374682.1); c.3130G>A, p.Val1044Ile (NM_001374683.1); c.3097G>A, p.Val1033Ile (NM_001374684.1); c.3241G>A, p.Val1081Ile (NM_031466.8); short protein forms V1081I, V1179I, V1072I, V1033I, V1044I, V1088I.
Identifiers: ClinVar variation 437048 (VCV000437048.20), dbSNP rs141067069, ClinGen allele CA4892767.

ClinVar aggregate classification (germline): Conflicting classifications of pathogenicity. Review status: criteria provided, conflicting classifications (1 of 4 stars). 5 submissions from 5 submitters: Uncertain significance (2); Likely benign (2). 1 of the submissions does not count toward it. Last evaluated 2026-03-03.

Conditions:
TRAPPC9-related disorder. Also called: TRAPPC9-related condition.
Inborn genetic diseases. Identifiers: MedGen C0950123, MeSH D030342.

Allele frequency attached by ClinVar (database versions not stated): 1000 Genomes Project 30x 0.00031; gnomAD 0.00070 and 0.00078; gnomAD exomes 0.00021; ExAC 0.00051; TOPMed 0.00084; ESP Exome Variant Server 0.00108; 1000 Genomes Project 0.00040.
gnomAD v4.1: 251 of 1,599,024 alleles (0.016%); highest among the groups gnomAD compares: African/African-American, 0.23%; 1 homozygote.

Submissions (5):

GeneDx
Classification: Uncertain significance. Last evaluated: 2026-03-03. Review status: criteria provided, single submitter. Criteria: GeneDx Variant Classification Process June 2021. Collection method: clinical testing. Allele origin: germline.
Comment: In silico analysis suggests that this missense variant does not alter protein structure/function; Has not been previously published as pathogenic or benign to our knowledge

Labcorp Genetics (formerly Invitae), Labcorp
Classification: Likely benign. Last evaluated: 2026-01-07. Review status: criteria provided, single submitter. Criteria: Invitae Variant Classification Sherloc (09022015). Collection method: clinical testing. Allele origin: germline.

Ambry Genetics
Classification: Likely benign for Inborn genetic diseases. Last evaluated: 2025-06-06. Review status: criteria provided, single submitter. Criteria: Ambry Variant Classification Scheme 2023. Collection method: clinical testing. Allele origin: germline.

Genetic Services Laboratory, University of Chicago
Classification: Uncertain significance. Last evaluated: 2016-01-22. Review status: criteria provided, single submitter. Criteria: ACMG Guidelines, 2015. Collection method: clinical testing. Allele origin: germline. Affected: no.

PreventionGenetics, part of Exact Sciences
Classification: Likely benign for TRAPPC9-related condition. Last evaluated: 2023-08-29. Review status: no assertion criteria provided. Collection method: clinical testing. Allele origin: germline. Not counted in ClinVar's aggregate classification.
Comment: This variant is classified as likely benign based on ACMG/AMP sequence variant interpretation guidelines (Richards et al. 2015 PMID: 25741868, with internal and published modifications).